The following is an entry in ClinVar:

ClinVar aggregate classification (germline): Conflicting classifications of pathogenicity. Review status: criteria provided, conflicting classifications (1 of 4 stars). 2 submissions from 2 submitters: Uncertain significance (1); Likely benign (1). Last evaluated 2024-01-24.

Conditions:
Charcot-Marie-Tooth disease type 4. Also called: Charcot-Marie-Tooth disease, type IV; Charcot-Marie-Tooth, Type 4. Identifiers: Orphanet 64749, MedGen C4082197, MONDO:0018995.
Inborn genetic diseases. Identifiers: MedGen C0950123, MeSH D030342.

gnomAD v4.1: 5 of 1,614,006 alleles (0.00031%); highest among the groups gnomAD compares: African/African-American, 0.0067%; no homozygotes.

Submissions (2):

Labcorp Genetics (formerly Invitae), Labcorp
Classification: Likely benign for Charcot-Marie-Tooth disease type 4. Last evaluated: 2024-01-24. Review status: criteria provided, single submitter. Criteria: Invitae Variant Classification Sherloc (09022015). Collection method: clinical testing. Allele origin: germline.

Ambry Genetics
Classification: Uncertain significance for Inborn genetic diseases. Last evaluated: 2022-09-14. Review status: criteria provided, single submitter. Criteria: Ambry Variant Classification Scheme 2023. Collection method: clinical testing. Allele origin: germline.
Comment: The p.L172P variant (also known as c.515T>C), located in coding exon 5 of the SH3TC2 gene, results from a T to C substitution at nucleotide position 515. The leucine at codon 172 is replaced by proline, an amino acid with similar properties. This amino acid position is conserved. In addition, this alteration is predicted to be deleterious by in silico analysis. Since supporting evidence is limited at this time, the clinical significance of this alteration remains unclear.

NM_024577.4(SH3TC2):c.515T>C (p.Leu172Pro)

Gene: SH3TC2 (SH3 domain and tetratricopeptide repeats 2; minus strand). Cytogenetic location: 5q32.
Variant type: single nucleotide variant.
Coding change: c.515T>C on transcript NM_024577.4 (MANE Select); coding-DNA position 515, T replaced by C.
Protein change: p.Leu172Pro; replaces leucine 172 with proline.
Molecular consequence: missense variant.
Genome position (GRCh38, 1-based): chr5:149,042,708, A>G on the plus strand (T>C on the coding strand, the complement: SH3TC2 is on the minus strand). VCF-style: chr5-149042708-A-G. GRCh37 (hg19) VCF-style: chr5-148422271-A-G.
Other names: short protein forms L172P.
Identifiers: ClinVar variation 1745719 (VCV001745719.7), dbSNP rs1408319932, ClinGen allele CA361675409.